The following is an entry in ClinVar:

ClinVar aggregate classification (germline): Likely benign. Review status: criteria provided, multiple submitters, no conflicts (2 of 4 stars). 2 submissions from 2 submitters: Likely benign (2). Last evaluated 2024-04-27.

Conditions:
Emery-Dreifuss muscular dystrophy (EDMD). Also called: Scapuloperoneal syndrome, X-linked (formerly); Humeroperoneal neuromuscular disease, (formerly). Identifiers: Orphanet 261, MedGen C0410189, MONDO:0016830.

Allele frequency attached by ClinVar (database versions not stated): TOPMed 0.00001; gnomAD 0.00002; gnomAD exomes 0.00004; ExAC 0.00009; 1000 Genomes Project 30x 0.00047; 1000 Genomes Project 0.00060.
gnomAD v4.1: 45 of 1,610,870 alleles (0.0028%); highest among the groups gnomAD compares: South Asian, 0.032%; no homozygotes.

Submissions (2):

Labcorp Genetics (formerly Invitae), Labcorp
Classification: Likely benign for Emery-Dreifuss muscular dystrophy. Last evaluated: 2024-04-27. Review status: criteria provided, single submitter. Criteria: Invitae Variant Classification Sherloc (09022015). Collection method: clinical testing. Allele origin: germline.

CeGaT Center for Human Genetics Tuebingen
Classification: Likely benign. Last evaluated: 2022-10-01. Review status: criteria provided, single submitter. Criteria: CeGaT Center For Human Genetics Tuebingen Variant Classification Criteria Version 2. Collection method: clinical testing. Allele origin: germline. Affected: yes. Observed: 1 variant allele.
Comment: SUN1: BP4, BP7

NM_001130965.3(SUN1):c.72G>A (p.Ala24=)

Genes: SUN1 (Sad1 and UNC84 domain containing 1; plus strand), LOC126859921 (P300/CBP strongly-dependent group 1 enhancer GRCh37_chr7:871666-872865; plus strand). Cytogenetic location: 7p22.3.
Variant type: single nucleotide variant.
Coding change: c.72G>A on transcript NM_001130965.3 (MANE Select); coding-DNA position 72, G replaced by A.
Protein change: p.Ala24=; no amino-acid change (alanine 24 retained).
Molecular consequence: synonymous variant. On other transcripts: 5 prime UTR variant (1), non-coding transcript variant (3), intron variant (30).
Genome position (GRCh38, 1-based): chr7:832,596, G>A. VCF-style: chr7-832596-G-A. GRCh37 (hg19) VCF-style: chr7-872233-G-A.
Other names: c.72G>A, p.Ala24= (NM_001171944.2, NM_001171946.2, NM_001367633.1 and 35 more transcripts); c.135G>A, p.Ala45= (NM_001171945.2); c.-386G>A (NM_001367635.1); c.297-6202G>A (NM_001367651.1); c.-73-6202G>A (NM_001367666.1, NM_001367655.1, NM_001367691.1 and 24 more transcripts); c.-684-6202G>A (NM_001367658.1); c.-301-9350G>A (NM_001367639.1).
Identifiers: ClinVar variation 1583226 (VCV001583226.32), dbSNP rs560089031, ClinGen allele CA4111366.